The following is an entry in ClinVar:

ClinVar aggregate classification (germline): Likely pathogenic. Review status: criteria provided, multiple submitters, no conflicts (2 of 4 stars). 2 submissions from 2 submitters: Likely pathogenic (2). Last evaluated 2024-06-07.

Conditions:
OPHN1-related disorder.

Allele frequency attached by ClinVar (database versions not stated): TOPMed below 0.00001.

Submissions (2):

GeneDx
Classification: Likely pathogenic. Last evaluated: 2024-06-07. Review status: criteria provided, single submitter. Criteria: GeneDx Variant Classification Process June 2021. Collection method: clinical testing. Allele origin: germline.
Comment: Not observed at significant frequency in large population cohorts (gnomAD); In silico analysis supports that this missense variant has a deleterious effect on protein structure/function; This variant is associated with the following publications: (PMID: 29510240, 29960046, 16221952)

Blueprint Genetics
Classification: Likely pathogenic for OPHN1-related disorders. Last evaluated: 2021-09-10. Review status: criteria provided, single submitter. Criteria: ACMG Guidelines, 2015. Collection method: clinical testing. Allele origin: germline. Affected: yes. Observed: 2 variant alleles.

NM_002547.3(OPHN1):c.727C>T (p.Arg243Trp)

Gene: OPHN1 (oligophrenin 1; minus strand). Cytogenetic location: Xq12.
Variant type: single nucleotide variant.
Coding change: c.727C>T on transcript NM_002547.3 (MANE Select); coding-DNA position 727, C replaced by T.
Protein change: p.Arg243Trp; replaces arginine 243 with tryptophan.
Molecular consequence: missense variant.
Genome position (GRCh38, 1-based): chrX:68,210,258, G>A on the plus strand (C>T on the coding strand, the complement: OPHN1 is on the minus strand). VCF-style: chrX-68210258-G-A. GRCh37 (hg19) VCF-style: chrX-67430100-G-A.
Other names: short protein forms R243W.
Identifiers: ClinVar variation 2430635 (VCV002430635.3), dbSNP rs2077578813, ClinGen allele CA413433993.